The following is an entry in ClinVar:

NM_015221.4(DNMBP):c.439A>G (p.Met147Val)

Genes: DNMBP (dynamin binding protein; minus strand), DNMBP-AS1 (DNMBP antisense RNA 1; plus strand). Cytogenetic location: 10q24.2.
Variant type: single nucleotide variant.
Coding change: c.439A>G on transcript NM_015221.4 (MANE Select); coding-DNA position 439, A replaced by G.
Protein change: p.Met147Val; replaces methionine 147 with valine.
Molecular consequence: missense variant. On other transcripts: non-coding transcript variant (2).
Genome position (GRCh38, 1-based): chr10:99,957,035, T>C on the plus strand (A>G on the coding strand, the complement: DNMBP is on the minus strand). VCF-style: chr10-99957035-T-C. GRCh37 (hg19) VCF-style: chr10-101716792-T-C.
Other names: c.439A>G, p.Met147Val (NM_001441287.1, NM_001441288.1); short protein forms M147V.
Identifiers: ClinVar variation 4831400 (VCV004831400.1).

ClinVar aggregate classification (germline): Uncertain significance (1 of 4 stars; one submission).

Submission:

Ambry Genetics
Classification: Uncertain significance. Last evaluated: 2025-12-15. Review status: criteria provided, single submitter. Criteria: Ambry Variant Classification Scheme 2023. Collection method: clinical testing. Allele origin: germline.
Comment: The c.439A>G (p.M147V) alteration is located in exon 4 (coding exon 3) of the DNMBP gene. This alteration results from a A to G substitution at nucleotide position 439, causing the methionine (M) at amino acid position 147 to be replaced by a valine (V). Based on data from gnomAD, the G allele has an overall frequency of 0.002% (4/248980) total alleles studied. The highest observed frequency was 0.009% (3/34590) of Latino alleles. Based on insufficient or conflicting evidence, the clinical significance of this alteration remains unclear.